The following is an entry in ClinVar:

NM_007294.4(BRCA1):c.5363G>T (p.Gly1788Val)

Gene: BRCA1 (BRCA1 DNA repair associated; minus strand). Cytogenetic location: 17q21.31.
Variant type: single nucleotide variant.
Coding change: c.5363G>T on transcript NM_007294.4 (MANE Select); coding-DNA position 5363, G replaced by T.
Protein change: p.Gly1788Val; replaces glycine 1788 with valine.
Molecular consequence: missense variant. On other transcripts: non-coding transcript variant (1), intron variant (1).
Genome position (GRCh38, 1-based): chr17:43,049,164, C>A on the plus strand (G>T on the coding strand, the complement: BRCA1 is on the minus strand). VCF-style: chr17-43049164-C-A. GRCh37 (hg19) VCF-style: chr17-41201181-C-A.
Other names: 5482G>T; c.1931G>T, p.Gly644Val (NM_001408431.1, NM_001408425.1, NM_001408426.1 and 4 more transcripts); c.1928G>T, p.Gly643Val (NM_001408432.1, NM_001408433.1, NM_001408434.1 and 10 more transcripts); c.1925G>T, p.Gly642Val (NM_001408445.1, NM_001408446.1, NM_001408447.1 and 2 more transcripts); c.1919G>T, p.Gly640Val (NM_001408451.1); c.1913G>T, p.Gly638Val (NM_001408452.1, NM_001408453.1, NM_001408454.1 and 3 more transcripts); c.1910G>T, p.Gly637Val (NM_001408458.1, NM_001408459.1, NM_001408460.1 and 7 more transcripts); c.1907G>T, p.Gly636Val (NM_001408468.1, NM_001408469.1, NM_001408470.1); and 74 more; short protein forms G1788V, G1741V, G1809V, G684V, G1619V, G1677V, G1717V, G1739V.
Identifiers: ClinVar variation 37660 (VCV000037660.33), dbSNP rs80357069, ClinGen allele CA003530.

ClinVar aggregate classification (germline): Pathogenic. Review status: reviewed by expert panel (3 of 4 stars). 13 submissions from 13 submitters: Pathogenic (1). 12 of the submissions do not count toward it. Last evaluated 2015-08-10.

Conditions:
Hereditary cancer-predisposing syndrome. Also called: Tumor predisposition; Neoplastic Syndromes, Hereditary; Hereditary Cancer Syndrome; Hereditary neoplastic syndrome. Identifiers: Orphanet 140162, MedGen C0027672, MeSH D009386, MONDO:0015356.
Hereditary breast ovarian cancer syndrome. Also called: Hereditary breast and ovarian cancer syndrome (HBOC); Hereditary breast and ovarian cancer syndrome; Hereditary breast and ovarian cancer; Hereditary breast and/or ovarian cancer syndrome; Breast and ovarian cancer; BRCA1- and BRCA2-Associated Hereditary Breast and Ovarian Cancer. Identifiers: Orphanet 145, MedGen C0677776, MeSH D061325, MONDO:0003582. Disease mechanism: loss of function.
Breast-ovarian cancer, familial, susceptibility to, 1 (BROVCA1). Also called: OVARIAN CANCER, SUSCEPTIBILITY TO; BRCA1 Hereditary Breast and Ovarian Cancer. Identifiers: Orphanet 145, MedGen C2676676, MONDO:0011450, OMIM 604370. Disease mechanism: loss of function.

Allele frequency attached by ClinVar (database versions not stated): gnomAD 0.00001.
gnomAD v4.1: 1 of 1,614,040 alleles (0.000062%); highest among the groups gnomAD compares: Non-Finnish European, 0.000085%; no homozygotes.

Submissions 1 to 7 of 14:

Evidence-based Network for the Interpretation of Germline Mutant Alleles (ENIGMA)
Classification: Pathogenic for Breast-ovarian cancer, familial 1. Last evaluated: 2015-08-10. Review status: reviewed by expert panel. Criteria: ENIGMA BRCA1/2 Classification Criteria (2015). Collection method: curation. Allele origin: germline.
Comment: IARC class based on posterior probability from multifactorial likelihood analysis, thresholds for class as per Plon et al. 2008 (PMID: 18951446). Class 5 based on posterior probability = 1

Labcorp Genetics (formerly Invitae), Labcorp
Classification: Pathogenic for Hereditary breast ovarian cancer syndrome. Last evaluated: 2025-11-18. Review status: criteria provided, single submitter. Criteria: Invitae Variant Classification Sherloc (09022015). Collection method: clinical testing. Allele origin: germline. Not counted in ClinVar's aggregate classification.
Comment: This sequence change replaces glycine, which is neutral and non-polar, with valine, which is neutral and non-polar, at codon 1788 of the BRCA1 protein (p.Gly1788Val). This variant is not present in population databases (gnomAD no frequency). This missense change has been observed in individual(s) with breast and/or ovarian cancer (PMID: 9796975, 16267036, 18512148, 21614564, 26689913). It has also been observed to segregate with disease in related individuals. This variant is also known as 5482G>T. ClinVar contains an entry for this variant (Variation ID: 37660). Invitae Evidence Modeling incorporating data from in vitro experimental studies (PMID: 30209399) indicates that this missense variant is expected to disrupt BRCA1 function with a positive predictive value of 95%. Experimental studies have shown that this missense change affects BRCA1 function (PMID: 14534301, 15689452, 20516115, 26689913). For these reasons, this variant has been classified as Pathogenic.

Color Diagnostics, LLC DBA Color Health
Classification: Pathogenic for Hereditary cancer-predisposing syndrome. Last evaluated: 2025-07-28. Review status: criteria provided, single submitter. Criteria: ACMG Guidelines, 2015. Collection method: clinical testing. Allele origin: germline. Not counted in ClinVar's aggregate classification.
Comment: This missense variant replaces glycine with valine at codon 1788 in the BRCT2 domain of the BRCA1 protein. Computational prediction suggests that this variant may have deleterious impact on protein structure and function. Functional studies reported that this variant impacted BRCA1 function in a haploid cell proliferation assay, homology-mediated repair assays, sensitivity assays to cisplatin and PARP inhibitor (PMID: 30209399, 30219179, 32546644). This variant has been reported in individuals affected with breast cancer and/or ovarian cancers (PMID: 18512148, 21614564, 26689913, 28724667, 9796975). A multifactorial analysis has reached a combined likelihood ratio (LR) of 116.82 based on reported LR for co-occurrence with a pathogenic variant and personal and family history for 5 carriers (PMID: 31853058). This variant has been identified in 1/251442 chromosomes in the general population by the Genome Aggregation Database (gnomAD). Different variants affecting the same codon, c.5363G>C (p.Gly1788Ala) and c.5362G>T (p.Gly1788Cys), are considered to be disease causing (ClinVar variation ID: 531438, 55550), suggesting that glycine at this position is important for the protein function. Based on the available evidence, this variant is classified as Pathogenic.

Ambry Genetics
Classification: Pathogenic for Hereditary cancer-predisposing syndrome. Last evaluated: 2025-07-14. Review status: criteria provided, single submitter. Criteria: Ambry Variant Classification Scheme 2023. Collection method: clinical testing. Allele origin: germline. Not counted in ClinVar's aggregate classification.
Comment: The p.G1788V pathogenic mutation (also known as c.5363G>T), located in coding exon 20 of the BRCA1 gene, results from a G to T substitution at nucleotide position 5363. The glycine at codon 1788 is replaced by valine, an amino acid with dissimilar properties. This variant was reported in multiple individuals with a personal and family histories of breast and/or ovarian cancer (Berchuck A et al. Clin Cancer Res. 1998 Oct;4(10):2433-7; Sun J et al. Clin. Cancer Res. 2017 Oct;23(20):6113-6119; Cao W et al. J Epidemiol 2013 Jan;23(2):75-84; Rebbeck T et al. Hum. Mutat. 2018 May;39(5):593-620). In a series of functional analyses, this variant was determined to result in a severe protein folding defect, binding specificity of less than 20% of wild type (but normal binding activity), and transcriptional activity of less than 20% of wild type (Lee MS et al. Cancer Res. 2010 Jun;70(12):4880-90). Other functional studies have also demonstrated that this variant leads to significant loss of function (Woods et al. NPJ Genom Med 2016 Mar;1; Findlay GM et al. Nature 2018 10;562(7726):217-222). Based on internal structural assessment, variants at codon 1788 are expected to cause general structural disruption of the BRCT domain (Clapperton, JA et al. Nat. Struct. Mol. Biol. 2004 Jun;11(6):512-8). Of note, this variant is also referred to as 5482G>T in published literature. This amino acid position is highly conserved in available vertebrate species. In addition, this alteration is predicted to be deleterious by in silico analysis. Based on the available evidence, this alteration is classified as a pathogenic mutation.

Baylor Genetics
Classification: Pathogenic for Breast-ovarian cancer, familial, susceptibility to, 1. Last evaluated: 2022-12-08. Review status: criteria provided, single submitter. Criteria: ACMG Guidelines, 2015. Collection method: clinical testing. Allele origin: unknown. Not counted in ClinVar's aggregate classification.

GeneDx
Classification: Pathogenic. Last evaluated: 2021-11-08. Review status: criteria provided, single submitter. Criteria: GeneDx Variant Classification Process June 2021. Collection method: clinical testing. Allele origin: germline. Affected: yes. Not counted in ClinVar's aggregate classification.
Comment: Published functional studies demonstrate a damaging effect: disrupted protein stability, decreased transcriptional activation, and defective homology directed repair (Williams 2003, Gaiser 2004, Williams 2004, Phelan 2005, Glover 2006, Lee 2010, Rowling 2010, Lu 2015, Findlay 2018); In silico analysis supports that this missense variant has a deleterious effect on protein structure/function; Observed in individuals with a personal and/or family history of breast or ovarian cancer (Berchuck 1998, Chen 2009, Cao 2013, Kanchi 2014, Lu 2015); Not observed at a significant frequency in large population cohorts (Lek 2016); Multifactorial studies suggest this variant is associated with breast and ovarian cancer (Lindor 2012); Also known as 5482G>T; This variant is associated with the following publications: (PMID: 15004537, 15133503, 10946236, 20081198, 23318652, 24448499, 18418466, 17924331, 9796975, 15235020, 17305420, 21447777, 20378548, 20516115, 15609993, 18951461, 18512148, 15172985, 14534301, 16528612, 22753008, 18992264, 12096901, 20423312, 26848529, 15689452, 26689913, 26787237, 27272900, 26187060, 28724667, 28781887, 30702160, 29446198, 30730459, 30765603, 29625052, 33087888, 31825140, 34063805, 21990134, 30209399)

Quest Diagnostics Nichols Institute San Juan Capistrano
Classification: Pathogenic. Last evaluated: 2020-11-18. Review status: criteria provided, single submitter. Criteria: Quest Diagnostics criteria. Collection method: clinical testing. Allele origin: unknown. Not counted in ClinVar's aggregate classification.
Comment: This variant has been reported in individuals with breast and/or ovarian in the published literature (PMID: 29446198 (2018), 28724667 (2017), 26689913 (2015), 23318652 (2013), 21990134 (2012), 21614564 (2012), 21447777 (2011), 18512148 (2009), 12354934 (2002), 9796975 (1998)). Functional studies indicate that this variant has a damaging impact on the BRCA1 protein (PMID: 30209399 (2018), 27272900 (2016), 20516115 (2010), 18992264 (2009), 14534301 (2003)). This variant is located in potentially critical domain of the protein (BRCT domain) and other pathogenic or likely pathogenic variants affect the same amino acid. Therefore, the variant is classified as pathogenic.